The following is an entry in ClinVar:

NM_206933.4(USH2A):c.6388A>T (p.Asn2130Tyr)

Gene: USH2A (usherin; minus strand). Cytogenetic location: 1q41.
Variant type: single nucleotide variant.
Coding change: c.6388A>T on transcript NM_206933.4 (MANE Select); coding-DNA position 6388, A replaced by T.
Protein change: p.Asn2130Tyr; replaces asparagine 2130 with tyrosine.
Molecular consequence: missense variant.
Genome position (GRCh38, 1-based): chr1:216,000,500, T>A on the plus strand (A>T on the coding strand, the complement: USH2A is on the minus strand). VCF-style: chr1-216000500-T-A. GRCh37 (hg19) VCF-style: chr1-216173842-T-A.
Other names: short protein forms N2130Y.
Identifiers: ClinVar variation 1042369 (VCV001042369.6), dbSNP rs1668243915, ClinGen allele CA344861756.
Genomic context (GRCh38, chr1:216,000,500, plus strand): 5'-CTGGGGAATCCACGTGTTCTGGTGGCAGCTGTGCTGTGTACAGTAGGACCCAGGAACTGT[T>A]TGTACAGCCCACATGTGTGCATGCACTTAGTAGAAACTGGTGGGGTGTAAATACTGCTAA-3'
Protein context (NP_996816.3, residues 2120-2140): LSACTHVGCT[Asn2130Tyr]SSWVLLYTAQ

ClinVar aggregate classification (germline): Uncertain significance (1 of 4 stars; one submission).

Allele frequency attached by ClinVar (database versions not stated): gnomAD exomes 0.00001.
gnomAD v4.1: 7 of 1,613,694 alleles (0.00043%); highest among the groups gnomAD compares: Non-Finnish European, 0.00059%; no homozygotes.

Submission:

Labcorp Genetics (formerly Invitae), Labcorp
Classification: Uncertain significance. Last evaluated: 2021-08-28. Review status: criteria provided, single submitter. Criteria: Invitae Variant Classification Sherloc (09022015). Collection method: clinical testing. Allele origin: germline.
Comment: This sequence change replaces asparagine with tyrosine at codon 2130 of the USH2A protein (p.Asn2130Tyr). The asparagine residue is highly conserved and there is a large physicochemical difference between asparagine and tyrosine. This variant is not present in population databases (ExAC no frequency). This variant has not been reported in the literature in individuals affected with USH2A-related conditions. Algorithms developed to predict the effect of missense changes on protein structure and function are either unavailable or do not agree on the potential impact of this missense change (SIFT: "Deleterious"; PolyPhen-2: "Probably Damaging"; Align-GVGD: "Class C15"). In summary, the available evidence is currently insufficient to determine the role of this variant in disease. Therefore, it has been classified as a Variant of Uncertain Significance.